The following is an entry in ClinVar:

ClinVar aggregate classification (germline): Likely pathogenic (1 of 4 stars; one submission).

Submission:

GeneDx
Classification: Likely pathogenic. Last evaluated: 2018-06-04. Review status: criteria provided, single submitter. Criteria: GeneDx Variant Classification (06012015). Collection method: clinical testing. Allele origin: germline. Affected: yes.
Comment: The E2042K variant in the ARID1B gene has not been reported previously as a pathogenic variant, nor as a benign variant, to our knowledge. The E2042K variant is not observed in large population cohorts (Lek et al., 2016). The E2042K variant is a non-conservative amino acid substitution, which is likely to impact secondary protein structure as these residues differ in polarity, charge, size and/or other properties. In-silico analyses, including protein predictors and evolutionary conservation, support a deleterious effect. We interpret E2042K as a likely pathogenic variant.

NM_001374828.1(ARID1B):c.6493G>A (p.Glu2165Lys)

Gene: ARID1B (AT-rich interaction domain 1B; plus strand). Cytogenetic location: 6q25.3.
Variant type: single nucleotide variant.
Coding change: c.6493G>A on transcript NM_001374828.1 (MANE Select); coding-DNA position 6493, G replaced by A.
Protein change: p.Glu2165Lys; replaces glutamic acid 2165 with lysine.
Molecular consequence: missense variant.
Genome position (GRCh38, 1-based): chr6:157,207,265, G>A. VCF-style: chr6-157207265-G-A. GRCh37 (hg19) VCF-style: chr6-157528399-G-A.
Other names: c.6124G>A, p.Glu2042Lys (NM_020732.3); c.3994G>A, p.Glu1332Lys (NM_001363725.2); c.6373G>A, p.Glu2125Lys (NM_001371656.1, NM_001374820.1); c.6334G>A, p.Glu2112Lys (NM_017519.3); short protein forms E2042K, E1332K, E2112K, E2125K, E2165K.
Identifiers: ClinVar variation 420932 (VCV000420932.2), dbSNP rs1064794799, ClinGen allele CA16618267.
Genomic context (GRCh38, chr6:157,207,265, plus strand): 5'-GATAACACGTTGGTCACGTTGGCCAACATTTCCGGGCAGCTAGACTTGTCTGCTTACACG[G>A]AAAGCATCTGCTTGCCAATTTTGGATGGCTTGCTGCACTGGATGGTGTGCCCGTCTGCAG-3'
Protein context (NP_001361757.1, residues 2155-2175): SGQLDLSAYT[Glu2165Lys]SICLPILDGL